The following is an entry in ClinVar:

NM_001143979.2(NDE1):c.-302A>G

Gene: NDE1 (nudE neurodevelopment protein 1; plus strand). Cytogenetic location: 16p13.11.
Variant type: single nucleotide variant.
Coding change: c.-302A>G on transcript NM_001143979.2; 302 bases upstream of the start codon, A replaced by G.
Molecular consequence: 5 prime UTR variant.
Genome position (GRCh38, 1-based): chr16:15,643,791, A>G. VCF-style: chr16-15643791-A-G. GRCh37 (hg19) VCF-style: chr16-15737648-A-G.
Identifiers: ClinVar variation 885509 (VCV000885509.6), dbSNP rs117057165, ClinGen allele CA278582830.
Genomic context (GRCh38, chr16:15,643,791, plus strand): 5'-TTCTCGCAAAGTTGCGACCCAGTTGGCAAAAATACAGTGTGTGCAAAGACTCAACTGGAC[A>G]TTGCCACCAAGAATCAAGAGATTTTTGGGGACTTTAGCAAGAAAACGTTATTTTTAAAAG-3'

ClinVar aggregate classification (germline): Likely benign (1 of 4 stars; one submission).

Conditions:
Lissencephaly 4 (LIS4). Also called: Lissencephaly 4 (with microcephaly). Identifiers: Orphanet 1083, MedGen C3151461, MONDO:0013527, OMIM 614019.

Allele frequency attached by ClinVar (database versions not stated): 1000 Genomes Project 0.00280; gnomAD 0.00040 and 0.00052; TOPMed 0.00066; 1000 Genomes Project 30x 0.00297.

Submission:

Illumina Laboratory Services, Illumina
Classification: Likely benign for Lissencephaly 4. Last evaluated: 2018-01-13. Review status: criteria provided, single submitter. Criteria: ICSL Variant Classification Criteria 13 December 2019. Collection method: clinical testing. Allele origin: germline.
Comment: This variant was observed in the ICSL laboratory as part of a predisposition screen in an ostensibly healthy population. It had not been previously curated by ICSL or reported in the Human Gene Mutation Database (HGMD: prior to June 1st, 2018), and was therefore a candidate for classification through an automated scoring system. Utilizing variant allele frequency, disease prevalence and penetrance estimates, and inheritance mode, an automated score was calculated to assess if this variant is too frequent to cause the disease. Based on the score and internal cut-off values, a variant classified as likely benign is not then subjected to further curation. The score for this variant resulted in a classification of likely benign for this disease.